The following is an entry in ClinVar:

ClinVar aggregate classification (germline): Likely benign (1 of 4 stars; one submission).

Conditions:
LEP-related disorder. Also called: LEP-related condition.

gnomAD v4.1: 4 of 1,614,058 alleles (0.00025%); highest among the groups gnomAD compares: Non-Finnish European, 0.00034%; no homozygotes.

Submission:

PreventionGenetics, part of Exact Sciences
Classification: Likely benign for LEP-related condition. Last evaluated: 2025-05-27. Review status: criteria provided, single submitter. Criteria: ACMG Guidelines, 2015. Collection method: clinical testing. Allele origin: germline.
Comment: This variant is classified as likely benign based on ACMG/AMP sequence variant interpretation guidelines (Richards et al. 2015 PMID: 25741868, with internal and published modifications).

NM_000230.3(LEP):c.213C>T (p.Thr71=)

Gene: LEP (leptin; plus strand). Cytogenetic location: 7q32.1.
Variant type: single nucleotide variant.
Coding change: c.213C>T on transcript NM_000230.3 (MANE Select); coding-DNA position 213, C replaced by T.
Protein change: p.Thr71=; no amino-acid change (threonine 71 retained).
Molecular consequence: synonymous variant.
Genome position (GRCh38, 1-based): chr7:128,254,472, C>T. VCF-style: chr7-128254472-C-T. GRCh37 (hg19) VCF-style: chr7-127894525-C-T.
Identifiers: ClinVar variation 4979013 (VCV004979013.1).